The following is an entry in ClinVar:

ClinVar aggregate classification (germline): Uncertain significance (1 of 4 stars; one submission).

Allele frequency attached by ClinVar (database versions not stated): gnomAD exomes 0.00002 and 0.00001; TOPMed 0.00002; gnomAD 0.00002.

Submission:

Labcorp Genetics (formerly Invitae), Labcorp
Classification: Uncertain significance. Last evaluated: 2022-04-15. Review status: criteria provided, single submitter. Criteria: Invitae Variant Classification Sherloc (09022015). Collection method: clinical testing. Allele origin: germline.
Comment: This variant occurs in the RNU4ATAC gene, which encodes an RNA molecule that does not result in a protein product. This variant is present in population databases (rs759464523, gnomAD 0.004%). This variant has not been reported in the literature in individuals affected with RNU4ATAC-related conditions. Experimental studies and prediction algorithms are not available or were not evaluated, and the functional significance of this variant is currently unknown. In summary, the available evidence is currently insufficient to determine the role of this variant in disease. Therefore, it has been classified as a Variant of Uncertain Significance.

NC_000002.12:g.121530942_121530943insT

Genes: CLASP1 (cytoplasmic linker associated protein 1; minus strand), CLASP1-AS1 (CLASP1 antisense RNA 1; plus strand), RNU4ATAC (RNA, U4atac small nuclear; plus strand). Cytogenetic location: 2q14.2.
Variant type: Insertion.
Molecular consequence: intron variant (on NM_001395891.1).
Genome position: GRCh38 VCF-style: chr2-121530942-A-AT. GRCh37 (hg19) VCF-style: chr2-122288518-A-AT.
Other names: c.196-618_196-617insA (NM_001142274.2, NM_015282.3, NM_001378003.1 and 5 more transcripts).
Identifiers: ClinVar variation 1365660 (VCV001365660.3), dbSNP rs759464523, ClinGen allele CA54810889.